The following is an entry in ClinVar:

ClinVar aggregate classification (germline): Uncertain significance (1 of 4 stars; one submission).

Conditions:
Brugada syndrome 8 (BRGDA8). Identifiers: Orphanet 130, MedGen C2751083, MONDO:0013148, OMIM 613123.

gnomAD v4.1: 3 of 1,474,048 alleles (0.0002%); highest among the groups gnomAD compares: South Asian, 0.0014%; no homozygotes.

Submission:

Labcorp Genetics (formerly Invitae), Labcorp
Classification: Uncertain significance for Brugada syndrome 8. Last evaluated: 2025-04-06. Review status: criteria provided, single submitter. Criteria: Invitae Variant Classification Sherloc (09022015). Collection method: clinical testing. Allele origin: germline.
Comment: This sequence change replaces serine, which is neutral and polar, with arginine, which is basic and polar, at codon 1026 of the HCN4 protein (p.Ser1026Arg). This variant is not present in population databases (gnomAD no frequency). This variant has not been reported in the literature in individuals affected with HCN4-related conditions. Invitae Evidence Modeling of protein sequence and biophysical properties (such as structural, functional, and spatial information, amino acid conservation, physicochemical variation, residue mobility, and thermodynamic stability) indicates that this missense variant is not expected to disrupt HCN4 protein function with a negative predictive value of 95%. In summary, the available evidence is currently insufficient to determine the role of this variant in disease. Therefore, it has been classified as a Variant of Uncertain Significance.

NM_005477.3(HCN4):c.3078C>G (p.Ser1026Arg)

Gene: HCN4 (hyperpolarization activated cyclic nucleotide gated potassium channel 4; minus strand). Cytogenetic location: 15q24.1.
Variant type: single nucleotide variant.
Coding change: c.3078C>G on transcript NM_005477.3 (MANE Select); coding-DNA position 3078, C replaced by G.
Protein change: p.Ser1026Arg; replaces serine 1026 with arginine.
Molecular consequence: missense variant.
Genome position (GRCh38, 1-based): chr15:73,323,015, G>C on the plus strand (C>G on the coding strand, the complement: HCN4 is on the minus strand). VCF-style: chr15-73323015-G-C. GRCh37 (hg19) VCF-style: chr15-73615356-G-C.
Other names: short protein forms S1026R.
Identifiers: ClinVar variation 4809186 (VCV004809186.1).